The following is an entry in ClinVar:

ClinVar aggregate classification (germline): Uncertain significance. Review status: criteria provided, multiple submitters, no conflicts (2 of 4 stars). 5 submissions from 5 submitters: Uncertain significance (5). Last evaluated 2026-06-22.

Conditions:
HADHB-related disorder. Also called: HADHB-related condition.
Mitochondrial trifunctional protein deficiency. Identifiers: Orphanet 746, MedGen C1969443, MONDO:0012172.

Allele frequency attached by ClinVar (database versions not stated): gnomAD exomes 0.00004 and 0.00013; ExAC 0.00011; gnomAD 0.00035 and 0.00036; 1000 Genomes Project 30x 0.00047; 1000 Genomes Project 0.00060; TOPMed 0.00060; ESP Exome Variant Server 0.00069.
gnomAD v4.1: 127 of 1,614,132 alleles (0.0079%); highest among the groups gnomAD compares: African/African-American, 0.1%; no homozygotes.

Submissions (5):

PreventionGenetics, part of Exact Sciences
Classification: Uncertain significance for HADHB-related condition. Last evaluated: 2026-06-22. Review status: criteria provided, single submitter. Criteria: ACMG Guidelines, 2015. Collection method: clinical testing. Allele origin: germline.
Comment: The HADHB c.560A>G variant is predicted to result in the amino acid substitution p.Asn187Ser. To our knowledge, this variant has not been reported in the literature. This variant is reported in 0.11% of alleles in individuals of African descent in gnomAD. Although we suspect that this variant may be benign, at this time, the clinical significance of this variant is uncertain due to the absence of conclusive functional and genetic evidence.

Mayo Clinic Laboratories, Mayo Clinic
Classification: Uncertain significance. Last evaluated: 2025-02-02. Review status: criteria provided, single submitter. Criteria: ACMG Guidelines, 2015. Collection method: clinical testing. Allele origin: germline. Observed: 1 variant allele.
Comment: BS1

Labcorp Genetics (formerly Invitae), Labcorp
Classification: Uncertain significance for Mitochondrial trifunctional protein deficiency. Last evaluated: 2022-07-11. Review status: criteria provided, single submitter. Criteria: Invitae Variant Classification Sherloc (09022015). Collection method: clinical testing. Allele origin: germline.
Comment: This sequence change replaces asparagine, which is neutral and polar, with serine, which is neutral and polar, at codon 187 of the HADHB protein (p.Asn187Ser). This variant is present in population databases (rs138696018, gnomAD 0.1%). This variant has not been reported in the literature in individuals affected with HADHB-related conditions. ClinVar contains an entry for this variant (Variation ID: 335405). Algorithms developed to predict the effect of missense changes on protein structure and function are either unavailable or do not agree on the potential impact of this missense change (SIFT: "Deleterious"; PolyPhen-2: "Benign"; Align-GVGD: "Class C45"). Algorithms developed to predict the effect of sequence changes on RNA splicing suggest that this variant may create or strengthen a splice site. In summary, the available evidence is currently insufficient to determine the role of this variant in disease. Therefore, it has been classified as a Variant of Uncertain Significance.

GeneDx
Classification: Uncertain significance. Last evaluated: 2019-04-11. Review status: criteria provided, single submitter. Criteria: GeneDx Variant Classification Process June 2021. Collection method: clinical testing. Allele origin: germline. Affected: yes.
Comment: In silico analysis, which includes splice predictors and evolutionary conservation, suggests this variant may impact gene splicing. In the absence of RNA/functional studies, the actual effect of this sequence change is unknown.; If c.560 A>G does not alter splicing, it will result in the N187S missense change.; In silico analysis, which includes protein predictors and evolutionary conservation, supports that this N187S missense variant does not alter protein structure/function; Has not been previously published as pathogenic or benign to our knowledge

Illumina Laboratory Services, Illumina
Classification: Uncertain significance for Mitochondrial trifunctional protein deficiency 1. Last evaluated: 2018-01-13. Review status: criteria provided, single submitter. Criteria: ICSL Variant Classification Criteria 13 December 2019. Collection method: clinical testing. Allele origin: germline.

NM_000183.3(HADHB):c.560A>G (p.Asn187Ser)

Gene: HADHB (hydroxyacyl-CoA dehydrogenase trifunctional multienzyme complex subunit beta; plus strand). Cytogenetic location: 2p23.3.
Variant type: single nucleotide variant.
Coding change: c.560A>G on transcript NM_000183.3 (MANE Select); coding-DNA position 560, A replaced by G.
Protein change: p.Asn187Ser; replaces asparagine 187 with serine.
Molecular consequence: missense variant.
Genome position (GRCh38, 1-based): chr2:26,278,731, A>G. VCF-style: chr2-26278731-A-G. GRCh37 (hg19) VCF-style: chr2-26501599-A-G.
Other names: p.Asn187Ser; c.515A>G, p.Asn172Ser (NM_001281512.2); c.494A>G, p.Asn165Ser (NM_001281513.2); short protein forms N187S, N165S, N172S.
Identifiers: ClinVar variation 335405 (VCV000335405.12), dbSNP rs138696018, ClinGen allele CA1560264.